The following is an entry in ClinVar:

NM_002016.2(FLG):c.7646T>C (p.Val2549Ala)

Genes: CCDST (cervical cancer associated DHX9 suppressive transcript; plus strand), FLG (filaggrin; minus strand). Cytogenetic location: 1q21.3.
Variant type: single nucleotide variant.
Coding change: c.7646T>C on transcript NM_002016.2 (MANE Select); coding-DNA position 7646, T replaced by C.
Protein change: p.Val2549Ala; replaces valine 2549 with alanine.
Molecular consequence: missense variant.
Genome position (GRCh38, 1-based): chr1:152,307,240, A>G on the plus strand (T>C on the coding strand, the complement: FLG is on the minus strand). VCF-style: chr1-152307240-A-G. GRCh37 (hg19) VCF-style: chr1-152279716-A-G.
Other names: short protein forms V2549A.
Identifiers: ClinVar variation 2386992 (VCV002386992.26), dbSNP rs770018707, ClinGen allele CA1104610.

ClinVar aggregate classification (germline): Conflicting classifications of pathogenicity. Review status: criteria provided, conflicting classifications (1 of 4 stars). 2 submissions from 2 submitters: Uncertain significance (1); Likely benign (1). Last evaluated 2025-03-31.

Conditions:
Inborn genetic diseases. Identifiers: MedGen C0950123, MeSH D030342.

Allele frequency attached by ClinVar (database versions not stated): gnomAD exomes 0.00005; ExAC 0.00012; 1000 Genomes Project 30x 0.00016; gnomAD 0.00017.
gnomAD v4.1: 94 of 1,610,146 alleles (0.0058%); highest among the groups gnomAD compares: African/African-American, 0.047%; 3 homozygotes.

Submissions (2):

Ambry Genetics
Classification: Uncertain significance for Inborn genetic diseases. Last evaluated: 2025-03-31. Review status: criteria provided, single submitter. Criteria: Ambry Variant Classification Scheme 2023. Collection method: clinical testing. Allele origin: germline.

CeGaT Center for Human Genetics Tuebingen
Classification: Likely benign. Last evaluated: 2024-01-01. Review status: criteria provided, single submitter. Criteria: CeGaT Center For Human Genetics Tuebingen Variant Classification Criteria Version 2. Collection method: clinical testing. Allele origin: germline. Affected: yes. Observed: 2 variant alleles.
Comment: FLG: BP4, BS2